The following is an entry in ClinVar:

NM_003055.3(SLC18A3):c.1526G>C (p.Gly509Ala)

Genes: CHAT (choline O-acetyltransferase; plus strand), SLC18A3 (solute carrier family 18 member A3; plus strand). Cytogenetic location: 10q11.23.
Variant type: single nucleotide variant.
Coding change: c.1526G>C on transcript NM_003055.3 (MANE Select); coding-DNA position 1526, G replaced by C.
Protein change: p.Gly509Ala; replaces glycine 509 with alanine.
Molecular consequence: missense variant. On other transcripts: intron variant (1).
Genome position (GRCh38, 1-based): chr10:49,612,266, G>C. VCF-style: chr10-49612266-G-C. GRCh37 (hg19) VCF-style: chr10-50820312-G-C.
Other names: c.-69+3067G>C (NM_020984.4); short protein forms G509A.
Identifiers: ClinVar variation 1366882 (VCV001366882.8), dbSNP rs1838321419, ClinGen allele CA376723948.

ClinVar aggregate classification (germline): Uncertain significance. Review status: criteria provided, multiple submitters, no conflicts (2 of 4 stars). 2 submissions from 2 submitters: Uncertain significance (2). Last evaluated 2025-04-01.

Conditions:
Inborn genetic diseases. Identifiers: MedGen C0950123, MeSH D030342.

Allele frequency attached by ClinVar (database versions not stated): TOPMed below 0.00001.
gnomAD v4.1: 1 of 1,610,716 alleles (0.000062%); highest among the groups gnomAD compares: Non-Finnish European, 0.000085%; no homozygotes.

Submissions (2):

Ambry Genetics
Classification: Uncertain significance for Inborn genetic diseases. Last evaluated: 2025-04-01. Review status: criteria provided, single submitter. Criteria: Ambry Variant Classification Scheme 2023. Collection method: clinical testing. Allele origin: germline.

Labcorp Genetics (formerly Invitae), Labcorp
Classification: Uncertain significance. Last evaluated: 2021-07-30. Review status: criteria provided, single submitter. Criteria: Invitae Variant Classification Sherloc (09022015). Collection method: clinical testing. Allele origin: germline.
Comment: In summary, the available evidence is currently insufficient to determine the role of this variant in disease. Therefore, it has been classified as a Variant of Uncertain Significance. Algorithms developed to predict the effect of missense changes on protein structure and function output the following: SIFT: "Tolerated"; PolyPhen-2: "Benign"; Align-GVGD: "Class C0". The alanine amino acid residue is found in multiple mammalian species, which suggests that this missense change does not adversely affect protein function. This variant has not been reported in the literature in individuals affected with SLC18A3-related conditions. This variant is not present in population databases (ExAC no frequency). This sequence change replaces glycine with alanine at codon 509 of the SLC18A3 protein (p.Gly509Ala). The glycine residue is weakly conserved and there is a small physicochemical difference between glycine and alanine.